The following is an entry in ClinVar:

NM_022124.6(CDH23):c.6680A>C (p.Gln2227Pro)

Gene: CDH23 (cadherin related 23; plus strand). Cytogenetic location: 10q22.1.
Variant type: single nucleotide variant.
Coding change: c.6680A>C on transcript NM_022124.6 (MANE Select); coding-DNA position 6680, A replaced by C.
Protein change: p.Gln2227Pro; replaces glutamine 2227 with proline.
Molecular consequence: missense variant.
Genome position (GRCh38, 1-based): chr10:71,793,608, A>C. VCF-style: chr10-71793608-A-C. GRCh37 (hg19) VCF-style: chr10-73553365-A-C.
Other names: short protein forms Q2227P.
Identifiers: ClinVar variation 861028 (VCV000861028.8), dbSNP rs778453484, ClinGen allele CA5546148.

ClinVar aggregate classification (germline): Uncertain significance. Review status: criteria provided, multiple submitters, no conflicts (2 of 4 stars). 4 submissions from 4 submitters: Uncertain significance (3). 1 of the submissions does not count toward it. Last evaluated 2025-01-23.

Conditions:
Usher syndrome type 1 (USH1). Also called: RETINITIS PIGMENTOSA AND CONGENITAL DEAFNESS. Identifiers: Orphanet 231169, Orphanet 886, MedGen C1568247, MONDO:0010168, OMIM 276900.

Allele frequency attached by ClinVar (database versions not stated): ExAC 0.00002; gnomAD 0.00001; TOPMed 0.00002; gnomAD exomes 0.00003.
gnomAD v4.1: 19 of 1,604,142 alleles (0.0012%); highest among the groups gnomAD compares: East Asian, 0.027%; no homozygotes.

Submissions (4):

Labcorp Genetics (formerly Invitae), Labcorp
Classification: Uncertain significance. Last evaluated: 2025-01-23. Review status: criteria provided, single submitter. Criteria: Invitae Variant Classification Sherloc (09022015). Collection method: clinical testing. Allele origin: germline.
Comment: This sequence change replaces glutamine, which is neutral and polar, with proline, which is neutral and non-polar, at codon 2227 of the CDH23 protein (p.Gln2227Pro). This variant is present in population databases (rs778453484, gnomAD 0.03%). This missense change has been observed in individual(s) with non-syndromic hearing loss (PMID: 17850630, 22899989, 25963016). ClinVar contains an entry for this variant (Variation ID: 861028). Invitae Evidence Modeling of protein sequence and biophysical properties (such as structural, functional, and spatial information, amino acid conservation, physicochemical variation, residue mobility, and thermodynamic stability) has been performed for this missense variant. However, the output from this modeling did not meet the statistical confidence thresholds required to predict the impact of this variant on CDH23 protein function. In summary, the available evidence is currently insufficient to determine the role of this variant in disease. Therefore, it has been classified as a Variant of Uncertain Significance.

Blueprint Genetics
Classification: Uncertain significance. Last evaluated: 2024-10-04. Review status: criteria provided, single submitter. Criteria: ACMG Guidelines, 2015. Collection method: clinical testing. Allele origin: germline.

GeneDx
Classification: Uncertain significance. Last evaluated: 2024-05-06. Review status: criteria provided, single submitter. Criteria: GeneDx Variant Classification Process June 2021. Collection method: clinical testing. Allele origin: germline. Affected: yes.
Comment: Identified in a patient with nonsyndromic sensorineural hearing loss in published literature (PMID: 17850630), a second variant in the CDH23 gene was not identified; Identified in cohorts of patients with hearing loss and classified as a variant of uncertain significance but additional evidence is not available (PMID: 22899989, 25963016); In silico analysis supports that this missense variant has a deleterious effect on protein structure/function; This variant is associated with the following publications: (PMID: 30033219, 17850630, 25963016, 22899989)

Natera, Inc.
Classification: Uncertain significance for Usher syndrome type 1. Last evaluated: 2020-12-08. Review status: no assertion criteria provided. Collection method: clinical testing. Allele origin: germline. Not counted in ClinVar's aggregate classification.

Literature cited by the submitters: PubMed 17850630 (cited by Labcorp Genetics (formerly Invitae), Labcorp); PubMed 22899989 (cited by Labcorp Genetics (formerly Invitae), Labcorp); PubMed 25963016 (cited by Labcorp Genetics (formerly Invitae), Labcorp).